The following is an entry in ClinVar:

NM_012283.2(KCNG2):c.1276G>A (p.Glu426Lys)

Gene: KCNG2 (potassium voltage-gated channel modifier subfamily G member 2; plus strand). Cytogenetic location: 18q23.
Variant type: single nucleotide variant.
Coding change: c.1276G>A on transcript NM_012283.2 (MANE Select); coding-DNA position 1276, G replaced by A.
Protein change: p.Glu426Lys; replaces glutamic acid 426 with lysine.
Molecular consequence: missense variant.
Genome position (GRCh38, 1-based): chr18:79,899,691, G>A. VCF-style: chr18-79899691-G-A. GRCh37 (hg19) VCF-style: chr18-77659691-G-A.
Other names: short protein forms E426K.
Identifiers: ClinVar variation 5022964 (VCV005022964.1).

ClinVar aggregate classification (germline): Uncertain significance (1 of 4 stars; one submission).

gnomAD v4.1: 14 of 1,607,754 alleles (0.00087%); highest among the groups gnomAD compares: Admixed American, 0.015%; no homozygotes.

Submission:

Ambry Genetics
Classification: Uncertain significance. Last evaluated: 2026-09-02. Review status: criteria provided, single submitter. Criteria: Ambry Variant Classification Scheme 2023. Collection method: clinical testing. Allele origin: germline.
Comment: The c.1276G>A (p.E426K) alteration is located in exon 2 (coding exon 2) of the KCNG2 gene. This alteration results from a G to A substitution at nucleotide position 1276, causing the glutamic acid (E) at amino acid position 426 to be replaced by a lysine (K). Based on data from gnomAD, the A allele has an overall frequency of 0.003% (6/239316) total alleles studied. The highest observed frequency was 0.018% (6/33518) of Latino alleles. Based on insufficient or conflicting evidence, the clinical significance of this alteration remains unclear.